The following is an entry in ClinVar:

ClinVar aggregate classification (germline): Conflicting classifications of pathogenicity. Review status: criteria provided, conflicting classifications (1 of 4 stars). 4 submissions from 4 submitters: Uncertain significance (1); Likely benign (2). 1 of the submissions does not count toward it. Last evaluated 2026-04-22.

Conditions:
GALNT12-related disorder. Also called: GALNT12-related condition.
Colorectal cancer, susceptibility to, 1. Also called: COLORECTAL ADENOMA AND CANCER, SUSCEPTIBILITY TO; COLORECTAL CANCER, SUSCEPTIBILITY TO, ON CHROMOSOME 9. Identifiers: MedGen C1837315, MONDO:0012132, OMIM 608812.

Allele frequency attached by ClinVar (database versions not stated): gnomAD 0.00001; TOPMed 0.00001; ExAC 0.00002; gnomAD exomes 0.00001.
gnomAD v4.1: 5 of 1,613,920 alleles (0.00031%); highest among the groups gnomAD compares: Admixed American, 0.0083%; no homozygotes.

Submissions (4):

Myriad Genetics, Inc.
Classification: Likely benign for Colorectal cancer, susceptibility to, 1. Last evaluated: 2026-04-22. Review status: criteria provided, single submitter. Criteria: Myriad Autosomal Dominant, Autosomal Recessive and X-Linked Classification Criteria (2023). Collection method: clinical testing. Allele origin: unknown.
Comment: This variant is considered likely benign. This variant is intronic and is not expected to impact mRNA splicing.

Labcorp Genetics (formerly Invitae), Labcorp
Classification: Uncertain significance. Last evaluated: 2023-12-13. Review status: criteria provided, single submitter. Criteria: Invitae Variant Classification Sherloc (09022015). Collection method: clinical testing. Allele origin: germline.
Comment: This sequence change falls in intron 6 of the GALNT12 gene. It does not directly change the encoded amino acid sequence of the GALNT12 protein. This variant is present in population databases (rs768905490, gnomAD 0.01%). This variant has not been reported in the literature in individuals affected with GALNT12-related conditions. ClinVar contains an entry for this variant (Variation ID: 859007). Algorithms developed to predict the effect of sequence changes on RNA splicing suggest that this variant is not likely to affect RNA splicing. In summary, the available evidence is currently insufficient to determine the role of this variant in disease. Therefore, it has been classified as a Variant of Uncertain Significance.

Quest Diagnostics Nichols Institute San Juan Capistrano
Classification: Likely benign. Last evaluated: 2022-10-18. Review status: criteria provided, single submitter. Criteria: Quest Diagnostics criteria. Collection method: clinical testing. Allele origin: unknown.

PreventionGenetics, part of Exact Sciences
Classification: Likely benign for GALNT12-related condition. Last evaluated: 2022-12-23. Review status: no assertion criteria provided. Collection method: clinical testing. Allele origin: germline. Not counted in ClinVar's aggregate classification.
Comment: This variant is classified as likely benign based on ACMG/AMP sequence variant interpretation guidelines (Richards et al. 2015 PMID: 25741868, with internal and published modifications).

NM_024642.5(GALNT12):c.1213-10G>T

Gene: GALNT12 (polypeptide N-acetylgalactosaminyltransferase 12; plus strand). Cytogenetic location: 9q22.33.
Variant type: single nucleotide variant.
Coding change: c.1213-10G>T on transcript NM_024642.5 (MANE Select); 10 bases into the intron before coding-DNA position 1213, G replaced by T.
Molecular consequence: intron variant.
Genome position (GRCh38, 1-based): chr9:98,839,992, G>T. VCF-style: chr9-98839992-G-T. GRCh37 (hg19) VCF-style: chr9-101602274-G-T.
Identifiers: ClinVar variation 859007 (VCV000859007.13), dbSNP rs768905490, ClinGen allele CA5154206.